The following is an entry in ClinVar:

NM_003482.4(KMT2D):c.865_867dup (p.Leu289_Val290insLeu)

Gene: KMT2D (lysine methyltransferase 2D; minus strand). Cytogenetic location: 12q13.12.
Variant type: Duplication.
Coding change: c.865_867dup on transcript NM_003482.4 (MANE Select); coding-DNA positions 865 to 867, 3 bases duplicated (TTG; older notation c.865_867dupTTG).
Protein change: p.Leu289_Val290insLeu.
Molecular consequence: inframe indel (on NM_003482.3).
Genome position (GRCh38, 1-based): chr12:49,053,294-49,053,296, CAA duplicated on the plus strand (TTG on the coding strand, the reverse complement: KMT2D is on the minus strand); duplicating any 3 consecutive bases within chr12:49,053,294-49,053,298 gives the same sequence; the c. name uses the placement nearest the transcript's 3' end. VCF-style (leftmost placement, unchanged base first): chr12-49053293-C-CCAA. GRCh37 (hg19) VCF-style: chr12-49447076-C-CCAA.
Other names: c.865_867dup (NM_003482.3).
Identifiers: ClinVar variation 3361581 (VCV003361581.1).

ClinVar aggregate classification (germline): Uncertain significance (1 of 4 stars; one submission).

Submission:

GeneDx
Classification: Uncertain significance. Last evaluated: 2023-07-26. Review status: criteria provided, single submitter. Criteria: GeneDx Variant Classification Process June 2021. Collection method: clinical testing. Allele origin: germline. Affected: yes.
Comment: Not observed at significant frequency in large population cohorts (gnomAD); In-frame duplication of 1 amino acid in a non-repeat region; Has not been previously published as pathogenic or benign to our knowledge